The following is an entry in ClinVar:

NM_014991.6(WDFY3):c.2883del (p.Lys961fs)

Genes: WDFY3 (WD repeat and FYVE domain containing 3; minus strand), WDFY3-AS1 (WDFY3 antisense RNA 1; plus strand). Cytogenetic location: 4q21.23.
Variant type: Deletion.
Coding change: c.2883del on transcript NM_014991.6 (MANE Select); coding-DNA position 2883, one base deleted (A; older notation c.2883delA).
Protein change: p.Lys961fs; shifts the reading frame from lysine 961.
Molecular consequence: frameshift variant.
Genome position (GRCh38, 1-based): chr4:84,798,048, T deleted on the plus strand (A on the coding strand, the reverse complement: WDFY3 is on the minus strand); the first of 4 consecutive T bases (chr4:84,798,048-84,798,051); deleting any one gives the same sequence. VCF-style (leftmost placement, unchanged base first): chr4-84798047-GT-G. GRCh37 (hg19) VCF-style: chr4-85719200-GT-G.
Other names: short protein forms K961fs.
Identifiers: ClinVar variation 3189729 (VCV003189729.1), dbSNP rs2533857932, ClinGen allele CA2825001300.
Genomic context (GRCh38, chr4:84,798,047, plus strand): 5'-AAAACTTACTTCTCATTTCTGGTTCATAACTCAGTGAACTTGGTTTGTGGACCCTATATT[GT>G]TTTAGCAGTTTTTTGTCCCAGGCACCACAATTTAAAGGACTTGCCAAACGTAAAAACTCC-3'

ClinVar aggregate classification (germline): Pathogenic (1 of 4 stars; one submission).

Conditions:
Inborn genetic diseases. Identifiers: MedGen C0950123, MeSH D030342.

Submission:

Ambry Genetics
Classification: Pathogenic for Inborn genetic diseases. Last evaluated: 2023-12-12. Review status: criteria provided, single submitter. Criteria: Ambry Variant Classification Scheme 2023. Collection method: clinical testing. Allele origin: germline.
Comment: The c.2883delA (p.K961Nfs*11) alteration, located in exon 18 (coding exon 15) of the WDFY3 gene, consists of a deletion of one nucleotide at position 2883, causing a translational frameshift with a predicted alternate stop codon after 11 amino acids. This alteration is expected to result in loss of function by premature protein truncation or nonsense-mediated mRNA decay. This variant was not reported in population-based cohorts in the Genome Aggregation Database (gnomAD). Based on the available evidence, this alteration is classified as pathogenic.